The following is an entry in ClinVar:

ClinVar aggregate classification (germline): Benign/Likely benign. Review status: criteria provided, multiple submitters, no conflicts (2 of 4 stars). 3 submissions from 2 submitters: Benign (2); Likely benign (1). Last evaluated 2021-05-25.

Conditions:
Weill-Marchesani syndrome. Also called: WM Syndrome; Mesodermal dysmorphodystrophy congenital. Identifiers: Orphanet 3449, MedGen C0265313, MONDO:0018096.
Glaucoma 3, primary congenital, D. Identifiers: Orphanet 98976, MedGen C2751316, MONDO:0013122, OMIM 613086.

Allele frequency attached by ClinVar (database versions not stated): gnomAD exomes 0.00416; gnomAD 0.01992 and 0.02134; 1000 Genomes Project 0.02157; 1000 Genomes Project 30x 0.02249; TOPMed 0.02266.
gnomAD v4.1: 3,362 of 232,166 alleles (1.4%); highest among the groups gnomAD compares: African/African-American, 6.7%; 114 homozygotes.

Submissions (3):

GeneDx
Classification: Benign. Last evaluated: 2021-05-25. Review status: criteria provided, single submitter. Criteria: GeneDx Variant Classification Process June 2021. Collection method: clinical testing. Allele origin: germline. Affected: yes.

Illumina Laboratory Services, Illumina
Classification: Likely benign for Glaucoma 3, primary congenital, D. Last evaluated: 2018-01-13. Review status: criteria provided, single submitter. Criteria: ICSL Variant Classification Criteria 13 December 2019. Collection method: clinical testing. Allele origin: germline.
Comment: This variant was observed in the ICSL laboratory as part of a predisposition screen in an ostensibly healthy population. It had not been previously curated by ICSL or reported in the Human Gene Mutation Database (HGMD: prior to June 1st, 2018), and was therefore a candidate for classification through an automated scoring system. Utilizing variant allele frequency, disease prevalence and penetrance estimates, and inheritance mode, an automated score was calculated to assess if this variant is too frequent to cause the disease. Based on the score and internal cut-off values, a variant classified as likely benign is not then subjected to further curation. The score for this variant resulted in a classification of likely benign for this disease.

Illumina Laboratory Services, Illumina
Classification: Benign for Weill-Marchesani syndrome. Last evaluated: 2018-01-13. Review status: criteria provided, single submitter. Criteria: ICSL Variant Classification Criteria 13 December 2019. Collection method: clinical testing. Allele origin: germline.
Comment: This variant was observed in the ICSL laboratory as part of a predisposition screen in an ostensibly healthy population. It had not been previously curated by ICSL or reported in the Human Gene Mutation Database (HGMD: prior to June 1st, 2018), and was therefore a candidate for classification through an automated scoring system. Utilizing variant allele frequency, disease prevalence and penetrance estimates, and inheritance mode, an automated score was calculated to assess if this variant is too frequent to cause the disease. Based on the score and internal cut-off values, a variant classified as benign is not then subjected to further curation. The score for this variant resulted in a classification of benign for this disease.

NM_000428.3(LTBP2):c.*2153T>C

Gene: LTBP2 (latent transforming growth factor beta binding protein 2; minus strand). Cytogenetic location: 14q24.3.
Variant type: single nucleotide variant.
Coding change: c.*2153T>C on transcript NM_000428.3 (MANE Select); 2153 bases downstream of the stop codon, T replaced by C.
Molecular consequence: 3 prime UTR variant.
Genome position (GRCh38, 1-based): chr14:74,498,731, A>G on the plus strand (T>C on the coding strand, the complement: LTBP2 is on the minus strand). VCF-style: chr14-74498731-A-G. GRCh37 (hg19) VCF-style: chr14-74965434-A-G.
Identifiers: ClinVar variation 887500 (VCV000887500.6), dbSNP rs113879332, ClinGen allele CA263576380.